The following is an entry in ClinVar:

ClinVar aggregate classification (germline): Likely pathogenic (1 of 4 stars; one submission).

Conditions:
Susceptibility to severe COVID-19.

Submission:

Molecular Medicine Center, Medical University of Sofia
Classification: Likely pathogenic for Susceptibility to severe COVID-19. Last evaluated: 2024-07-22. Review status: criteria provided, single submitter. Criteria: ACMG Guidelines, 2015. Collection method: research. Allele origin: germline. Affected: yes.
Comment: Novel (unreported in gnomAD or dbSNP until April 2024) variant found in severely infected COVID-19 Bulgarian patients in a research study. Variant is classified as likely pathogenic according to the ACMG criteria: PM2,PVS1.

NM_032977.4(CASP10):c.334del (p.Val112fs)

Gene: CASP10 (caspase 10; plus strand). Cytogenetic location: 2q33.1.
Variant type: Deletion.
Coding change: c.334del on transcript NM_032977.4 (MANE Select); coding-DNA position 334, one base deleted (G; older notation c.334delG).
Protein change: p.Val112fs; shifts the reading frame from valine 112.
Molecular consequence: frameshift variant.
Genome position (GRCh38, 1-based): chr2:201,186,111, G deleted; the last of 3 consecutive G bases (chr2:201,186,109-201,186,111); deleting any one gives the same sequence. VCF-style (leftmost placement, unchanged base first): chr2-201186108-AG-A. GRCh37 (hg19) VCF-style: chr2-202050831-AG-A.
Other names: c.334del, p.Val112fs (NM_001206524.2, NM_001206542.2, NM_001230.5 and 3 more transcripts); c.334delG (NM_032977.4); short protein forms V112fs.
Identifiers: ClinVar variation 3256935 (VCV003256935.1).